The following is an entry in ClinVar:

ClinVar aggregate classification (germline): Pathogenic (1 of 4 stars; one submission).

Conditions:
Recessive dystrophic epidermolysis bullosa (RDEB). Also called: DYSTROPHIC EPIDERMOLYSIS BULLOSA, AUTOSOMAL RECESSIVE; EPIDERMOLYSIS BULLOSA DYSTROPHICA, HALLOPEAU-SIEMENS TYPE; Hallopeau-Siemens Disease; severe generalized recessive dystrophic epidermolysis bullosa; EPIDERMOLYSIS BULLOSA DYSTROPHICA, GENERALIZED SEVERE, AUTOSOMAL RECESSIVE; Epidermolysis Bullosa Distrophica Autosomal Recessive (RDEB). Identifiers: Orphanet 79408, Orphanet 79409, MedGen C0079474, MONDO:0009179, OMIM 226600.

Submission:

Myriad Genetics, Inc.
Classification: Pathogenic for Recessive dystrophic epidermolysis bullosa. Last evaluated: 2025-01-28. Review status: criteria provided, single submitter. Criteria: Myriad Autosomal Dominant, Autosomal Recessive and X-Linked Classification Criteria (2023). Collection method: clinical testing. Allele origin: unknown.
Comment: NM_000094.3(COL7A1):c.8031_8034delCCTG(L2678Sfs*107) is expected to be pathogenic in the context of dystrophic epidermolysis bullosa. This variant is predicted to lead to an abnormal or absent protein product due to the creation of a premature termination codon in COL7A1, a gene where loss-of-function variants are known to be pathogenic. Please note: this variant was assessed in the context of healthy population screening.

NM_000094.4(COL7A1):c.8031_8034del (p.Leu2678fs)

Gene: COL7A1 (collagen type VII alpha 1 chain; minus strand). Cytogenetic location: 3p21.31.
Variant type: Deletion.
Coding change: c.8031_8034del on transcript NM_000094.4 (MANE Select); coding-DNA positions 8031 to 8034, 4 bases deleted (CCTG; older notation c.8031_8034delCCTG).
Protein change: p.Leu2678fs; shifts the reading frame from leucine 2678.
Molecular consequence: frameshift variant.
Genome position (GRCh38, 1-based): chr3:48,567,586-48,567,589, CAGG deleted on the plus strand (CCTG on the coding strand, the reverse complement: COL7A1 is on the minus strand); deleting any 4 consecutive bases within chr3:48,567,586-48,567,590 gives the same sequence; the c. name uses the placement nearest the transcript's 3' end. VCF-style (leftmost placement, unchanged base first): chr3-48567585-TCAGG-T. GRCh37 (hg19) VCF-style: chr3-48605018-TCAGG-T.
Other names: short protein forms L2678fs.
Identifiers: ClinVar variation 5014030 (VCV005014030.1).